The following is an entry in ClinVar:

NM_033026.6(PCLO):c.2402A>C (p.Lys801Thr)

Gene: PCLO (piccolo presynaptic cytomatrix protein; minus strand). Cytogenetic location: 7q21.11.
Variant type: single nucleotide variant.
Coding change: c.2402A>C on transcript NM_033026.6 (MANE Select); coding-DNA position 2402, A replaced by C.
Protein change: p.Lys801Thr; replaces lysine 801 with threonine.
Molecular consequence: missense variant.
Genome position (GRCh38, 1-based): chr7:83,135,148, T>G on the plus strand (A>C on the coding strand, the complement: PCLO is on the minus strand). VCF-style: chr7-83135148-T-G. GRCh37 (hg19) VCF-style: chr7-82764464-T-G.
Other names: c.2402A>C, p.Lys801Thr (NM_014510.3); short protein forms K801T.
Identifiers: ClinVar variation 1390639 (VCV001390639.8), dbSNP rs552296324, ClinGen allele CA161172636.

ClinVar aggregate classification (germline): Uncertain significance (1 of 4 stars; one submission).

Allele frequency attached by ClinVar (database versions not stated): TOPMed below 0.00001; gnomAD 0.00001; 1000 Genomes Project 30x 0.00016; 1000 Genomes Project 0.00020.
gnomAD v4.1: 2 of 1,613,952 alleles (0.00012%); highest among the groups gnomAD compares: East Asian, 0.0045%; no homozygotes.

Submission:

Labcorp Genetics (formerly Invitae), Labcorp
Classification: Uncertain significance. Last evaluated: 2021-05-04. Review status: criteria provided, single submitter. Criteria: Invitae Variant Classification Sherloc (09022015). Collection method: clinical testing. Allele origin: germline.
Comment: This sequence change replaces lysine with threonine at codon 801 of the PCLO protein (p.Lys801Thr). The lysine residue is moderately conserved and there is a moderate physicochemical difference between lysine and threonine. This variant is not present in population databases (ExAC no frequency). This variant has not been reported in the literature in individuals with PCLO-related conditions. Algorithms developed to predict the effect of missense changes on protein structure and function are either unavailable or do not agree on the potential impact of this missense change (SIFT: "Deleterious"; PolyPhen-2: "Not Available"; Align-GVGD: "Class C0"). In summary, the available evidence is currently insufficient to determine the role of this variant in disease. Therefore, it has been classified as a Variant of Uncertain Significance.